The following is an entry in ClinVar:

NM_000553.6(WRN):c.2683A>T (p.Met895Leu)

Gene: WRN (WRN RecQ like helicase; plus strand). Cytogenetic location: 8p12.
Variant type: single nucleotide variant.
Coding change: c.2683A>T on transcript NM_000553.6 (MANE Select); coding-DNA position 2683, A replaced by T.
Protein change: p.Met895Leu; replaces methionine 895 with leucine.
Molecular consequence: missense variant.
Genome position (GRCh38, 1-based): chr8:31,124,574, A>T. VCF-style: chr8-31124574-A-T. GRCh37 (hg19) VCF-style: chr8-30982090-A-T.
Other names: short protein forms M895L.
Identifiers: ClinVar variation 1000476 (VCV001000476.3), dbSNP rs1585489649, ClinGen allele CA370916836.
Genomic context (GRCh38, chr8:31,124,574, plus strand): 5'-ATCGACAGGCACCTTCTTACTGAGATACGTAATGAGAAGTTTCGATTATACAAATTAAAG[A>T]TGATGGCAAAGATGGAAAAATATCTTCATTCTAGCAGATGTAGGAGACAGTATGTATTAT-3'
Protein context (NP_000544.2, residues 885-905): NEKFRLYKLK[Met895Leu]MAKMEKYLHS

ClinVar aggregate classification (germline): Uncertain significance (1 of 4 stars; one submission).

Conditions:
Werner syndrome (WRN). Identifiers: Orphanet 902, MedGen C0043119, MONDO:0010196, OMIM 277700.

Allele frequency attached by ClinVar (database versions not stated): gnomAD 0.00001.
gnomAD v4.1: 1 of 1,612,946 alleles (0.000062%); highest among the groups gnomAD compares: South Asian, 0.0011%; no homozygotes.

Submission:

Labcorp Genetics (formerly Invitae), Labcorp
Classification: Uncertain significance for Werner syndrome. Last evaluated: 2020-02-01. Review status: criteria provided, single submitter. Criteria: Invitae Variant Classification Sherloc (09022015). Collection method: clinical testing. Allele origin: germline.
Comment: This variant has not been reported in the literature in individuals with WRN-related conditions. This variant is not present in population databases (ExAC no frequency). This sequence change replaces methionine with leucine at codon 895 of the WRN protein (p.Met895Leu). The methionine residue is highly conserved and there is a small physicochemical difference between methionine and leucine. In summary, the available evidence is currently insufficient to determine the role of this variant in disease. Therefore, it has been classified as a Variant of Uncertain Significance. Algorithms developed to predict the effect of missense changes on protein structure and function are either unavailable or do not agree on the potential impact of this missense change (SIFT: "Not Available"; PolyPhen-2: "Probably Damaging"; Align-GVGD: "Not Available").